The following is an entry in ClinVar:

ClinVar aggregate classification (germline): Likely pathogenic (1 of 4 stars; one submission).

Conditions:
Dilated cardiomyopathy 1G (CMD1G). Identifiers: Orphanet 154, MedGen C1858763, MONDO:0011400, OMIM 604145.
Autosomal recessive limb-girdle muscular dystrophy type 2J (LGMDR10). Also called: Limb-girdle muscular dystrophy, type 2J; MUSCULAR DYSTROPHY, LIMB-GIRDLE, AUTOSOMAL RECESSIVE 10. Identifiers: Orphanet 140922, MedGen C1837342, MONDO:0012127, OMIM 608807.

Submission:

Labcorp Genetics (formerly Invitae), Labcorp
Classification: Likely pathogenic for Dilated cardiomyopathy 1G; Autosomal recessive limb-girdle muscular dystrophy type 2J. Last evaluated: 2020-01-24. Review status: criteria provided, single submitter. Criteria: Invitae Variant Classification Sherloc (09022015). Collection method: clinical testing. Allele origin: germline.
Comment: This nonsense change has been observed in individual(s) with clinical features of dilated cardiomyopathy (PMID: 25589632). This variant is not present in population databases (ExAC no frequency). This sequence change results in a premature translational stop signal in the TTN gene (p.Trp28989*). While this is not anticipated to result in nonsense mediated decay, it is expected to create a truncated TTN protein. In summary, the currently available evidence indicates that the variant is pathogenic, but additional data are needed to prove that conclusively. Therefore, this variant has been classified as Likely Pathogenic. This variant is located in the A band of TTN (PMID: 25589632). Truncating variants in this region are significantly overrepresented in patients affected with dilated cardiomyopathy (PMID: 25589632). Truncating variants in this region have also been reported in individuals affected with autosomal recessive centronuclear myopathy (PMID: 23975875).

Literature cited by the submitters: PubMed 25589632; PubMed 23975875.

NM_001267550.2(TTN):c.86966G>A (p.Trp28989Ter)

Genes: TTN-AS1 (TTN antisense RNA 1; plus strand), TTN (titin; minus strand). Cytogenetic location: 2q31.2.
Variant type: single nucleotide variant.
Coding change: c.86966G>A on transcript NM_001267550.2 (MANE Select); coding-DNA position 86966, G replaced by A.
Protein change: p.Trp28989Ter; replaces tryptophan 28989 with a stop codon.
Molecular consequence: nonsense.
Genome position (GRCh38, 1-based): chr2:178,558,493, C>T on the plus strand (G>A on the coding strand, the complement: TTN is on the minus strand). VCF-style: chr2-178558493-C-T. GRCh37 (hg19) VCF-style: chr2-179423220-C-T.
Other names: c.82043G>A, p.Trp27348Ter (NM_001256850.1); c.59771G>A, p.Trp19924Ter (NM_003319.4); c.79262G>A, p.Trp26421Ter (NM_133378.4); c.60146G>A, p.Trp20049Ter (NM_133432.3); c.60347G>A, p.Trp20116Ter (NM_133437.4); short protein forms W20049*, W20116*, W26421*, W19924*, W28989*, W27348*.
Identifiers: ClinVar variation 856020 (VCV000856020.10), dbSNP rs1702355636, ClinGen allele CA349540188.